The following is an entry in ClinVar:

NM_001367561.1(DOCK7):c.2010+35G>A

Gene: DOCK7 (dedicator of cytokinesis 7; minus strand). Cytogenetic location: 1p31.3.
Variant type: single nucleotide variant.
Coding change: c.2010+35G>A on transcript NM_001367561.1 (MANE Select); 35 bases into the intron after coding-DNA position 2010, G replaced by A.
Molecular consequence: intron variant.
Genome position (GRCh38, 1-based): chr1:62,578,793, C>T on the plus strand (G>A on the coding strand, the complement: DOCK7 is on the minus strand). VCF-style: chr1-62578793-C-T. GRCh37 (hg19) VCF-style: chr1-63044464-C-T.
Other names: c.2010+35G>A (NM_001272001.2, NM_001272000.2, NM_033407.4 and 2 more transcripts).
Identifiers: ClinVar variation 1296220 (VCV001296220.5), dbSNP rs11207993, ClinGen allele CA886385.

ClinVar aggregate classification (germline): Benign. Review status: criteria provided, multiple submitters, no conflicts (2 of 4 stars). 3 submissions from 3 submitters: Benign (3). Last evaluated 2024-07-15.

Allele frequency attached by ClinVar (database versions not stated): 1000 Genomes Project 30x 0.08510; 1000 Genomes Project 0.08586; TOPMed 0.12569; gnomAD 0.12732 and 0.12860; ESP Exome Variant Server 0.12917; gnomAD exomes 0.14045 and 0.16673; ExAC 0.14302.
gnomAD v4.1: 238,931 of 1,475,086 alleles (16%); highest among the groups gnomAD compares: Non-Finnish European, 18%; 20,697 homozygotes.

Submissions (3):

Unidad de Genómica Garrahan, Hospital de Pediatría Garrahan
Classification: Benign. Last evaluated: 2024-07-15. Review status: criteria provided, single submitter. Criteria: ACMG Guidelines, 2015. Collection method: clinical testing. Allele origin: germline. Affected: no. Observed: 26 variant alleles.
Comment: This variant is classified as Benign based on local population frequency. This variant was detected in 28% of patients studied in a panel designed for Epileptic and Developmental Encephalopathy and Progressive Myoclonus Epilepsy. Number of patients: 26. Only high quality variants are reported.

GeneDx
Classification: Benign. Last evaluated: 2021-03-14. Review status: criteria provided, single submitter. Criteria: GeneDx Variant Classification Process June 2021. Collection method: clinical testing. Allele origin: germline. Affected: yes.

Breakthrough Genomics
Classification: Benign. Review status: criteria provided, single submitter. Criteria: ACMG Guidelines, 2015. Collection method: not provided. Allele origin: germline. Inheritance: Autosomal recessive inheritance. Affected: yes.